The following is an entry in ClinVar:

ClinVar aggregate classification (germline): Uncertain significance (1 of 4 stars; one submission).

Submission:

Labcorp Genetics (formerly Invitae), Labcorp
Classification: Uncertain significance. Last evaluated: 2023-12-27. Review status: criteria provided, single submitter. Criteria: Invitae Variant Classification Sherloc (09022015). Collection method: clinical testing. Allele origin: germline.
Comment: This sequence change replaces serine, which is neutral and polar, with threonine, which is neutral and polar, at codon 809 of the NPAT protein (p.Ser809Thr). This variant is not present in population databases (gnomAD no frequency). This variant has not been reported in the literature in individuals affected with NPAT-related conditions. An algorithm developed to predict the effect of missense changes on protein structure and function (PolyPhen-2) suggests that this variant is likely to be disruptive. In summary, the available evidence is currently insufficient to determine the role of this variant in disease. Therefore, it has been classified as a Variant of Uncertain Significance.

NM_002519.3(NPAT):c.2425T>A (p.Ser809Thr)

Gene: NPAT (nuclear protein, coactivator of histone transcription; minus strand). Cytogenetic location: 11q22.3.
Variant type: single nucleotide variant.
Coding change: c.2425T>A on transcript NM_002519.3 (MANE Select); coding-DNA position 2425, T replaced by A.
Protein change: p.Ser809Thr; replaces serine 809 with threonine.
Molecular consequence: missense variant.
Genome position (GRCh38, 1-based): chr11:108,172,559, A>T on the plus strand (T>A on the coding strand, the complement: NPAT is on the minus strand). VCF-style: chr11-108172559-A-T. GRCh37 (hg19) VCF-style: chr11-108043286-A-T.
Other names: c.2425T>A, p.Ser809Thr (NM_001321307.1); short protein forms S809T.
Identifiers: ClinVar variation 2705825 (VCV002705825.3), dbSNP rs2496717295, ClinGen allele CA382513014.